The following is an entry in ClinVar:

ClinVar aggregate classification (germline): Uncertain significance (1 of 4 stars; one submission).

Conditions:
Epidermolysis bullosa simplex with nail dystrophy (EBS5D). Identifiers: MedGen C4225309, MONDO:0014661, OMIM 616487.
Epidermolysis bullosa simplex 5C, with pyloric atresia (EBS5C). Also called: PLEC-Related Epidermolysis Bullosa with Pyloric Atresia; Epidermolysis bullosa simplex with pyloric atresia; PLEC1-Related Epidermolysis Bullosa with Pyloric Atresia. Identifiers: Orphanet 158684, MedGen C2677349, MONDO:0012807, OMIM 612138.
Autosomal recessive limb-girdle muscular dystrophy type 2Q (LGMDR17). Also called: MUSCULAR DYSTROPHY, LIMB-GIRDLE, AUTOSOMAL RECESSIVE 17. Identifiers: Orphanet 254361, MedGen C3150989, MONDO:0013390, OMIM 613723.
Epidermolysis bullosa simplex, Ogna type (EBS5A). Also called: Pidermolysis bullosa simplex 5A, Ogna type; EPIDERMOLYSIS BULLOSA SIMPLEX 5A, OGNA TYPE. Identifiers: Orphanet 79401, MedGen C0432317, MONDO:0007555, OMIM 131950.
Epidermolysis bullosa simplex 5B, with muscular dystrophy (EBS5B). Also called: EPIDERMOLYSIS BULLOSA SIMPLEX AND LIMB-GIRDLE MUSCULAR DYSTROPHY; Epidermolysis bullosa simplex with muscular dystrophy. Identifiers: Orphanet 257, MedGen C2931072, MONDO:0009181, OMIM 226670.

Submission:

Labcorp Genetics (formerly Invitae), Labcorp
Classification: Uncertain significance for Autosomal recessive limb-girdle muscular dystrophy type 2Q; Epidermolysis bullosa simplex, Ogna type; Epidermolysis bullosa simplex with nail dystrophy; Epidermolysis bullosa simplex 5C, with pyloric atresia; Epidermolysis bullosa simplex 5B, with muscular dystrophy. Last evaluated: 2023-01-05. Review status: criteria provided, single submitter. Criteria: Invitae Variant Classification Sherloc (09022015). Collection method: clinical testing. Allele origin: germline.
Comment: This sequence change replaces threonine, which is neutral and polar, with glutamine, which is neutral and polar, at codon 2095 of the PLEC protein (p.Thr2095Gln). In summary, the available evidence is currently insufficient to determine the role of this variant in disease. Therefore, it has been classified as a Variant of Uncertain Significance. Algorithms developed to predict the effect of missense changes on protein structure and function are either unavailable or do not agree on the potential impact of this missense change (SIFT: "Not Available"; PolyPhen-2: "Benign"; Align-GVGD: "Not Available"). This variant has not been reported in the literature in individuals affected with PLEC-related conditions. Information on the frequency of this variant in the gnomAD database is not available, as this variant may be reported differently in the database.

NM_201384.3(PLEC):c.6202_6203delinsCA (p.Thr2068Gln)

Gene: PLEC (plectin; minus strand). Cytogenetic location: 8q24.3.
Variant type: Indel.
Coding change: c.6202_6203delinsCA on transcript NM_201384.3 (MANE Select); coding-DNA positions 6202 to 6203, AC replaced by CA.
Protein change: p.Thr2068Gln; replaces threonine 2068 with glutamine.
Molecular consequence: missense variant. On other transcripts: intron variant (1).
Genome position (GRCh38, 1-based): chr8:143,923,726-143,923,727, GT replaced by TG on the plus strand (AC replaced by CA on the coding strand, the reverse complement: PLEC is on the minus strand). VCF-style: chr8-143923726-GT-TG. GRCh37 (hg19) VCF-style: chr8-144997894-GT-TG.
Other names: c.6214_6215delinsCA, p.Thr2072Gln (NM_201383.3); c.4126-1332_4126-1331delinsCA (NM_001410941.1); c.6283_6284delinsCA, p.Thr2095Gln (NM_000445.5); c.6160_6161delinsCA, p.Thr2054Gln (NM_201378.4); c.6136_6137delinsCA, p.Thr2046Gln (NM_201379.3); c.6613_6614delinsCA, p.Thr2205Gln (NM_201380.4); c.6106_6107delinsCA, p.Thr2036Gln (NM_201381.3); c.6202_6203delinsCA, p.Thr2068Gln (NM_201382.4); short protein forms T2036Q, T2046Q, T2068Q, T2054Q, T2095Q, T2072Q, T2205Q.
Identifiers: ClinVar variation 2933499 (VCV002933499.3), dbSNP rs2537786774, ClinGen allele CA2740095391.